The following is an entry in ClinVar:

ClinVar aggregate classification (germline): Likely pathogenic (1 of 4 stars; one submission).

Conditions:
Congenital stationary night blindness 1C. Also called: Night blindness, congenital stationary (complete), 1C, autosomal recessive. Identifiers: Orphanet 215, MedGen C2750747, MONDO:0013183, OMIM 613216.

Submission:

First Genomix Gene Laboratory, Genetic Diagnostics Department
Classification: Likely pathogenic for Congenital stationary night blindness 1C. Last evaluated: 2025-07-09. Review status: criteria provided, single submitter. Criteria: ACMG Guidelines, 2015. Collection method: clinical testing. Allele origin: germline. Inheritance: Autosomal recessive inheritance. Affected: no. Observed: 1 variant allele.

NM_001252024.2(TRPM1):c.3336del (p.Val1111_Trp1112insTer)

Genes: TRPM1 (transient receptor potential cation channel subfamily M member 1; minus strand), TRPM1-AS1 (TRPM1 antisense RNA 1; plus strand), LOC126862088 (BRD4-independent group 4 enhancer GRCh37_chr15:31318084-31319283; plus strand). Cytogenetic location: 15q13.3.
Variant type: Deletion.
Coding change: c.3336del on transcript NM_001252024.2 (MANE Select); coding-DNA position 3336, one base deleted (G; older notation c.3336delG).
Protein change: p.Val1111_Trp1112insTer.
Molecular consequence: nonsense.
Genome position (GRCh38, 1-based): chr15:31,027,075, C deleted on the plus strand (G on the coding strand, the reverse complement: TRPM1 is on the minus strand); the first of 2 consecutive C bases (chr15:31,027,075-31,027,076); deleting either gives the same sequence. VCF-style (leftmost placement, unchanged base first): chr15-31027074-TC-T. GRCh37 (hg19) VCF-style: chr15-31319277-TC-T.
Other names: c.3387del, p.Val1128_Trp1129insTer (NM_001252020.2); c.3270del, p.Val1089_Trp1090insTer (NM_002420.6); c.3270delG (NM_002420.6).
Identifiers: ClinVar variation 4849361 (VCV004849361.1).